The following is an entry in ClinVar:

NM_006767.4(LZTR1):c.1353+2T>G

Gene: LZTR1 (leucine zipper like post translational regulator 1; plus strand). Cytogenetic location: 22q11.21.
Variant type: single nucleotide variant.
Coding change: c.1353+2T>G on transcript NM_006767.4 (MANE Select); the canonical splice donor site of the intron after coding-DNA position 1353, T replaced by G.
Molecular consequence: splice donor variant.
Genome position (GRCh38, 1-based): chr22:20,993,756, T>G. VCF-style: chr22-20993756-T-G. GRCh37 (hg19) VCF-style: chr22-21348045-T-G.
Other names: c.1353+2T>G (NM_006767.3).
Identifiers: ClinVar variation 2907232 (VCV002907232.6), dbSNP rs779146700, ClinGen allele CA10118826.

ClinVar aggregate classification (germline): Conflicting classifications of pathogenicity. Review status: criteria provided, conflicting classifications (1 of 4 stars). 3 submissions from 3 submitters: Likely pathogenic (2); Uncertain significance (1). Last evaluated 2025-12-24.

Conditions:
Hereditary cancer-predisposing syndrome. Also called: Hereditary Cancer Syndrome; Hereditary neoplastic syndrome; Tumor predisposition; Neoplastic Syndromes, Hereditary. Identifiers: Orphanet 140162, MedGen C0027672, MeSH D009386, MONDO:0015356.
Cardiovascular phenotype. Identifiers: MedGen CN230736.

Allele frequency attached by ClinVar (database versions not stated): TOPMed below 0.00001; ExAC 0.00001.
gnomAD v4.1: 1 of 1,611,786 alleles (0.000062%); highest among the groups gnomAD compares: Non-Finnish European, 0.000085%; no homozygotes.

Submissions (3):

Labcorp Genetics (formerly Invitae), Labcorp
Classification: Likely pathogenic. Last evaluated: 2025-12-24. Review status: criteria provided, single submitter. Criteria: Invitae Variant Classification Sherloc (09022015). Collection method: clinical testing. Allele origin: germline.
Comment: This sequence change affects a donor splice site in intron 12 of the LZTR1 gene. It is expected to disrupt RNA splicing. Variants that disrupt the donor or acceptor splice site typically lead to a loss of protein function (PMID: 16199547), and loss-of-function variants in LZTR1 are known to be pathogenic (PMID: 24362817, 25335493, 25480913, 25795793, 29469822, 30368668, 30442762, 30442766, 30481304, 30859559). This variant is present in population databases (rs779146700, gnomAD 0.002%). This variant has not been reported in the literature in individuals affected with LZTR1-related conditions. ClinVar contains an entry for this variant (Variation ID: 2907232). Algorithms developed to predict the effect of sequence changes on RNA splicing suggest that this variant may disrupt the consensus splice site. In summary, the currently available evidence indicates that the variant is pathogenic, but additional data are needed to prove that conclusively. Therefore, this variant has been classified as Likely Pathogenic.

Ambry Genetics
Classification: Uncertain significance for Cardiovascular phenotype; Hereditary cancer-predisposing syndrome. Last evaluated: 2025-05-14. Review status: criteria provided, single submitter. Criteria: Ambry Variant Classification Scheme 2023. Collection method: clinical testing. Allele origin: germline.
Comment: The c.1353+2T>G intronic variant results from a T to G substitution two nucleotides after coding exon 12 in the LZTR1 gene. Alterations that disrupt the canonical splice site are expected to result in aberrant splicing. In silico splice site analysis predicts that this alteration will weaken the native splice donor site. The resulting transcript is predicted to be in-frame and is not expected to trigger nonsense-mediated mRNA decay; however, direct evidence is insufficient at this time (Ambry internal data). The exact functional effect of the altered amino acid sequence is unknown. This nucleotide position is highly conserved in available vertebrate species. Since supporting evidence is limited at this time, the clinical significance of this alteration remains unclear.

GeneDx
Classification: Likely pathogenic. Last evaluated: 2024-09-08. Review status: criteria provided, single submitter. Criteria: GeneDx Variant Classification Process June 2021. Collection method: clinical testing. Allele origin: germline. Affected: yes.
Comment: Canonical splice site variant predicted to result in an in-frame loss of the adjacent exon in a gene for which loss of function is a known mechanism of disease; Not observed at significant frequency in large population cohorts (gnomAD); Has not been previously published as pathogenic or benign to our knowledge

Literature cited by the submitters: PubMed 16199547 (cited by Labcorp Genetics (formerly Invitae), Labcorp); PubMed 24362817 (cited by Labcorp Genetics (formerly Invitae), Labcorp); PubMed 25335493 (cited by Labcorp Genetics (formerly Invitae), Labcorp); PubMed 25480913 (cited by Labcorp Genetics (formerly Invitae), Labcorp); PubMed 25795793 (cited by Labcorp Genetics (formerly Invitae), Labcorp); PubMed 29469822 (cited by Labcorp Genetics (formerly Invitae), Labcorp); PubMed 30368668 (cited by Labcorp Genetics (formerly Invitae), Labcorp); PubMed 30442762 (cited by Labcorp Genetics (formerly Invitae), Labcorp); PubMed 30442766 (cited by Labcorp Genetics (formerly Invitae), Labcorp); PubMed 30481304 (cited by Labcorp Genetics (formerly Invitae), Labcorp); PubMed 30859559 (cited by Labcorp Genetics (formerly Invitae), Labcorp).